The following is an entry in ClinVar:

ClinVar aggregate classification (germline): Uncertain significance (1 of 4 stars; one submission).

Conditions:
Mucopolysaccharidosis type 7 (MPS7). Also called: MPS VII; BETA-GLUCURONIDASE DEFICIENCY; GUSB DEFICIENCY; SLY SYNDROME. Identifiers: Orphanet 584, MedGen C0085132, MONDO:0009662, OMIM 253220.

Submission:

Labcorp Genetics (formerly Invitae), Labcorp
Classification: Uncertain significance for Mucopolysaccharidosis type 7. Last evaluated: 2022-03-22. Review status: criteria provided, single submitter. Criteria: Invitae Variant Classification Sherloc (09022015). Collection method: clinical testing. Allele origin: germline.
Comment: This variant has not been reported in the literature in individuals affected with GUSB-related conditions. This variant is not present in population databases (gnomAD no frequency). This sequence change replaces histidine, which is basic and polar, with asparagine, which is neutral and polar, at codon 425 of the GUSB protein (p.His425Asn). Algorithms developed to predict the effect of missense changes on protein structure and function output the following: SIFT: "Tolerated"; PolyPhen-2: "Benign"; Align-GVGD: "Class C0". The asparagine amino acid residue is found in multiple mammalian species, which suggests that this missense change does not adversely affect protein function. In summary, the available evidence is currently insufficient to determine the role of this variant in disease. Therefore, it has been classified as a Variant of Uncertain Significance.

NM_000181.4(GUSB):c.1273C>A (p.His425Asn)

Gene: GUSB (glucuronidase beta; minus strand). Cytogenetic location: 7q11.21.
Variant type: single nucleotide variant.
Coding change: c.1273C>A on transcript NM_000181.4 (MANE Select); coding-DNA position 1273, C replaced by A.
Protein change: p.His425Asn; replaces histidine 425 with asparagine.
Molecular consequence: missense variant. On other transcripts: non-coding transcript variant (1).
Genome position (GRCh38, 1-based): chr7:65,974,413, G>T on the plus strand (C>A on the coding strand, the complement: GUSB is on the minus strand). VCF-style: chr7-65974413-G-T. GRCh37 (hg19) VCF-style: chr7-65439400-G-T.
Other names: c.835C>A, p.His279Asn (NM_001284290.2); c.703C>A, p.His235Asn (NM_001293104.2); c.616C>A, p.His206Asn (NM_001293105.2); short protein forms H206N, H279N, H425N, H235N.
Identifiers: ClinVar variation 2091511 (VCV002091511.4), dbSNP rs2484800667, ClinGen allele CA367643716.